The following is an entry in ClinVar:

ClinVar aggregate classification (germline): Conflicting classifications of pathogenicity. Review status: criteria provided, conflicting classifications (1 of 4 stars). 6 submissions from 6 submitters: Uncertain significance (1); Likely benign (5). Last evaluated 2026-09-01.

Conditions:
Cardiomyopathy (CMYO). Also called: Cardiomyopathies. Identifiers: Orphanet 167848, MedGen C0878544, MONDO:0004994, HP:0001638. Inheritance: Various modes of inheritance.
Arrhythmogenic cardiomyopathy with wooly hair and keratoderma. Also called: Dilated cardiomyopathy with woolly hair and keratoderma; Arrhythmogenic cardiomyopathy with woolly hair and keratoderma; PALMOPLANTAR KERATODERMA WITH LEFT VENTRICULAR CARDIOMYOPATHY AND WOOLLY HAIR; Carvajal syndrome. Identifiers: Orphanet 65282, MedGen C1854063, MONDO:0011581, OMIM 605676.
Cardiovascular phenotype. Identifiers: MedGen CN230736.
Arrhythmogenic right ventricular dysplasia 8 (ARVD8). Also called: ARRHYTHMOGENIC RIGHT VENTRICULAR DYSPLASIA, FAMILIAL, 8; ARRHYTHMOGENIC RIGHT VENTRICULAR CARDIOMYOPATHY 8; Arrhythmogenic Right Ventricular Dysplasia/Cardiomyopathy 8. Identifiers: MedGen C1843896, MONDO:0011831, OMIM 607450.

Allele frequency attached by ClinVar (database versions not stated): gnomAD 0.00001; ExAC 0.00002; TOPMed 0.00003.
gnomAD v4.1: 37 of 1,614,006 alleles (0.0023%); highest among the groups gnomAD compares: South Asian, 0.0077%; no homozygotes.

Submissions (6):

CeGaT Center for Human Genetics Tuebingen
Classification: Likely benign. Last evaluated: 2026-09-01. Review status: criteria provided, single submitter. Criteria: CeGaT Center For Human Genetics Tuebingen Variant Classification Criteria Version 2. Collection method: clinical testing. Allele origin: germline. Affected: yes. Observed: 1 variant allele.
Comment: DSP: BP4

Labcorp Genetics (formerly Invitae), Labcorp
Classification: Likely benign for Arrhythmogenic cardiomyopathy with wooly hair and keratoderma; Arrhythmogenic right ventricular dysplasia 8. Last evaluated: 2025-09-27. Review status: criteria provided, single submitter. Criteria: Invitae Variant Classification Sherloc (09022015). Collection method: clinical testing. Allele origin: germline.

Color Diagnostics, LLC DBA Color Health
Classification: Likely benign for Cardiomyopathy. Last evaluated: 2024-08-29. Review status: criteria provided, single submitter. Criteria: ACMG Guidelines, 2015. Collection method: clinical testing. Allele origin: germline.

All of Us Research Program, National Institutes of Health
Classification: Likely benign for Arrhythmogenic cardiomyopathy with wooly hair and keratoderma. Last evaluated: 2023-12-13. Review status: criteria provided, single submitter. Criteria: ACMG Guidelines, 2015. Collection method: clinical testing. Allele origin: germline. Inheritance: Autosomal dominant inheritance. Observed: 11 variant alleles, 11 heterozygotes.
Comment: This study involves interpretation of variants in research participants for the purpose of population health screening. Participant phenotype was not available at the time of variant classification. Additional details can be found in publication PMID: 35346344, PMCID: PMC8962531

Ambry Genetics
Classification: Likely benign for Cardiovascular phenotype. Last evaluated: 2022-12-21. Review status: criteria provided, single submitter. Criteria: Ambry Variant Classification Scheme 2023. Collection method: clinical testing. Allele origin: germline.

GeneDx
Classification: Uncertain significance. Last evaluated: 2022-11-02. Review status: criteria provided, single submitter. Criteria: GeneDx Variant Classification Process June 2021. Collection method: clinical testing. Allele origin: germline. Affected: yes.
Comment: In silico analysis supports that this missense variant does not alter protein structure/function; Has not been previously published as pathogenic or benign to our knowledge

NM_004415.4(DSP):c.6550G>A (p.Val2184Met)

Gene: DSP (desmoplakin; plus strand). Cytogenetic location: 6p24.3.
Variant type: single nucleotide variant.
Coding change: c.6550G>A on transcript NM_004415.4 (MANE Select); coding-DNA position 6550, G replaced by A.
Protein change: p.Val2184Met; replaces valine 2184 with methionine.
Molecular consequence: missense variant.
Genome position (GRCh38, 1-based): chr6:7,583,812, G>A. VCF-style: chr6-7583812-G-A. GRCh37 (hg19) VCF-style: chr6-7584045-G-A.
Other names: c.4753G>A, p.Val1585Met (NM_001008844.3); c.5221G>A, p.Val1741Met (NM_001319034.2); short protein forms V1585M, V1741M, V2184M.
Identifiers: ClinVar variation 809873 (VCV000809873.25), dbSNP rs774832931, ClinGen allele CA047978.